The following is an entry in ClinVar:

NM_198586.3(NHLRC1):c.308C>T (p.Ala103Val)

Gene: NHLRC1 (NHL repeat containing E3 ubiquitin protein ligase 1; minus strand). Cytogenetic location: 6p22.3.
Variant type: single nucleotide variant.
Coding change: c.308C>T on transcript NM_198586.3 (MANE Select); coding-DNA position 308, C replaced by T.
Protein change: p.Ala103Val; replaces alanine 103 with valine.
Molecular consequence: missense variant.
Genome position (GRCh38, 1-based): chr6:18,122,299, G>A on the plus strand (C>T on the coding strand, the complement: NHLRC1 is on the minus strand). VCF-style: chr6-18122299-G-A. GRCh37 (hg19) VCF-style: chr6-18122530-G-A.
Other names: short protein forms A103V.
Identifiers: ClinVar variation 1509208 (VCV001509208.8), dbSNP rs774955028, ClinGen allele CA3650014.
Genomic context (GRCh38, chr6:18,122,299, plus strand): 5'-CAGCCGCCGAAGGTGTGGTGGCAGGTGAGGGCTCCGGGGGCGCTGGGGGCGGCGCGATGG[G>A]CGGCCGGGGACTGGCGAAGCGCTGAGCCCAGGAGCTCTATGAGGTGCAGCACCGGCAGGC-3'
Protein context (NP_940988.2, residues 93-113): LGSALRQSPA[Ala103Val]HRAAPSAPGA

ClinVar aggregate classification (germline): Uncertain significance (1 of 4 stars; one submission).

Conditions:
Lafora disease. Also called: Epilepsy progressive myoclonic 2; Progressive Myoclonus Epilepsy, Lafora Type. Identifiers: Orphanet 501, MedGen C0751783, MONDO:0009697.

Allele frequency attached by ClinVar (database versions not stated): ExAC 0.00001; gnomAD exomes 0.00001 and 0.00002.

Submission:

Labcorp Genetics (formerly Invitae), Labcorp
Classification: Uncertain significance for Lafora disease. Last evaluated: 2024-10-22. Review status: criteria provided, single submitter. Criteria: Invitae Variant Classification Sherloc (09022015). Collection method: clinical testing. Allele origin: germline.
Comment: This sequence change replaces alanine, which is neutral and non-polar, with valine, which is neutral and non-polar, at codon 103 of the NHLRC1 protein (p.Ala103Val). This variant is present in population databases (rs774955028, gnomAD 0.003%). This variant has not been reported in the literature in individuals affected with NHLRC1-related conditions. ClinVar contains an entry for this variant (Variation ID: 1509208). Invitae Evidence Modeling of protein sequence and biophysical properties (such as structural, functional, and spatial information, amino acid conservation, physicochemical variation, residue mobility, and thermodynamic stability) indicates that this missense variant is not expected to disrupt NHLRC1 protein function with a negative predictive value of 95%. In summary, the available evidence is currently insufficient to determine the role of this variant in disease. Therefore, it has been classified as a Variant of Uncertain Significance.